The following is an entry in ClinVar:

ClinVar aggregate classification (germline): Pathogenic (1 of 4 stars; one submission).

Conditions:
LAMA2-related muscular dystrophy (LAMA2-RD). Also called: Laminin alpha 2-related dystrophy. Identifiers: MedGen C5679788, MONDO:0100228.

Allele frequency attached by ClinVar (database versions not stated): gnomAD exomes below 0.00001.

Submission:

Labcorp Genetics (formerly Invitae), Labcorp
Classification: Pathogenic for LAMA2-related muscular dystrophy. Last evaluated: 2022-12-31. Review status: criteria provided, single submitter. Criteria: Invitae Variant Classification Sherloc (09022015). Collection method: clinical testing. Allele origin: germline.
Comment: For these reasons, this variant has been classified as Pathogenic. ClinVar contains an entry for this variant (Variation ID: 1076381). This premature translational stop signal has been observed in individual(s) with congenital muscular dystrophy (PMID: 28688748). This variant is present in population databases (no rsID available, gnomAD 0.0009%). This sequence change creates a premature translational stop signal (p.Thr731Metfs*44) in the LAMA2 gene. It is expected to result in an absent or disrupted protein product. Loss-of-function variants in LAMA2 are known to be pathogenic (PMID: 18700894, 32904964).

Literature cited by the submitters: PubMed 28688748; PubMed 18700894; PubMed 32904964.

NM_000426.4(LAMA2):c.2192del (p.Thr731fs)

Gene: LAMA2 (laminin subunit alpha 2; plus strand). Cytogenetic location: 6q22.33.
Variant type: Deletion.
Coding change: c.2192del on transcript NM_000426.4 (MANE Select); coding-DNA position 2192, one base deleted (C; older notation c.2192delC).
Protein change: p.Thr731fs; shifts the reading frame from threonine 731.
Molecular consequence: frameshift variant.
Genome position (GRCh38, 1-based): chr6:129,260,806, C deleted. VCF-style (leftmost placement, unchanged base first): chr6-129260805-AC-A. GRCh37 (hg19) VCF-style: chr6-129581950-AC-A.
Other names: c.2192del, p.Thr731fs (NM_001079823.2); short protein forms T731fs.
Identifiers: ClinVar variation 1076381 (VCV001076381.9), dbSNP rs1562389593, ClinGen allele CA570043914.